The following is an entry in ClinVar:

ClinVar aggregate classification (germline): Uncertain significance (1 of 4 stars; one submission).

Conditions:
Tuberous sclerosis syndrome (TSC). Also called: Tuberous Sclerosis Complex; Tuberous sclerosis. Identifiers: Orphanet 805, MedGen C0041341, MONDO:0001734.

Submission:

All of Us Research Program, National Institutes of Health
Classification: Uncertain significance for Tuberous sclerosis syndrome. Last evaluated: 2024-02-22. Review status: criteria provided, single submitter. Criteria: ACMG Guidelines, 2015. Collection method: clinical testing. Allele origin: germline. Inheritance: Autosomal dominant inheritance. Observed: 1 variant allele, 1 heterozygote.
Comment: This variant causes a deletion of two nucleotides at the +3-+4 position in the splice donor region of intron 10 of the TSC1 gene. Splice site prediction tools predict that this variant may have a significant impact on RNA splicing. To our knowledge, RNA studies have not been reported for this variant, however aberrant splicing has been reported for a single nucleotide change a the +3 position, suggesting this variant may also impact splicing (ClinVar SCV004000985.2 ). This variant has not been reported in individuals affected with TSC1-related disorders in the literature. This variant has not been identified in the general population by the Genome Aggregation Database (gnomAD). The available evidence is insufficient to determine the role of this variant in disease conclusively. Therefore, this variant is classified as a Variant of Uncertain Significance.

This study involves interpretation of variants in research participants for the purpose of population health screening. Participant phenotype was not available at the time of variant classification. Additional details can be found in publication PMID: 35346344, PMCID: PMC8962531

NM_000368.5(TSC1):c.1029+3_1029+4del

Gene: TSC1 (TSC complex subunit 1; minus strand). Cytogenetic location: 9q34.13.
Variant type: Deletion.
Coding change: c.1029+3_1029+4del on transcript NM_000368.5 (MANE Select); bases 3 to 4 of the intron after coding-DNA position 1029, 2 bases deleted (AT; older notation c.1029+3_1029+4delAT).
Molecular consequence: splice donor variant. On other transcripts: 5 prime UTR variant (2).
Genome position (GRCh38, 1-based): chr9:132,911,449-132,911,450, AT deleted on the plus strand (AT on the coding strand, the reverse complement: TSC1 is on the minus strand); deleting any 2 consecutive bases within chr9:132,911,449-132,911,451 gives the same sequence; the c. name uses the placement nearest the transcript's 3' end. VCF-style (leftmost placement, unchanged base first): chr9-132911448-CAT-C. GRCh37 (hg19) VCF-style: chr9-135786835-CAT-C.
Other names: c.666+3_666+4del (NM_001406624.1, NM_001406616.1, NM_001406623.1 and 10 more transcripts); c.1029+3_1029+4del (NM_001406599.1, NM_001406594.1, NM_001406603.1 and 16 more transcripts); c.-62_-61del (NM_001406629.1, NM_001406630.1); c.876+3_876+4del (NM_001406613.1, NM_001406612.1, NM_001406610.1 and 2 more transcripts); c.78+3_78+4del (NM_001406627.1, NM_001406628.1, NM_001406626.1).
Identifiers: ClinVar variation 3386148 (VCV003386148.1).